The following is an entry in ClinVar:

NM_030665.4(RAI1):c.5023G>C (p.Val1675Leu)

Gene: RAI1 (retinoic acid induced 1; plus strand). Cytogenetic location: 17p11.2.
Variant type: single nucleotide variant.
Coding change: c.5023G>C on transcript NM_030665.4 (MANE Select); coding-DNA position 5023, G replaced by C.
Protein change: p.Val1675Leu; replaces valine 1675 with leucine.
Molecular consequence: missense variant.
Genome position (GRCh38, 1-based): chr17:17,797,971, G>C. VCF-style: chr17-17797971-G-C. GRCh37 (hg19) VCF-style: chr17-17701285-G-C.
Other names: short protein forms V1675L.
Identifiers: ClinVar variation 196542 (VCV000196542.20), dbSNP rs113210810, ClinGen allele CA243528.
Genomic context (GRCh38, chr17:17,797,971, plus strand): 5'-GGCTCCATCCTGCAGCCGCGGCCCTCCTTGCCCCTCTCCTCCACGATGCACTTGGGGCCT[G>C]TGGTTTCCAAGGCCCTGAGTACCTCTTGCCTTGTTTGCTGCCTCTGCCAAAACCCGGCCA-3'
Protein context (NP_109590.3, residues 1665-1685): PLSSTMHLGP[Val1675Leu]VSKALSTSCL

ClinVar aggregate classification (germline): Conflicting classifications of pathogenicity. Review status: criteria provided, conflicting classifications (1 of 4 stars). 5 submissions from 5 submitters: Uncertain significance (1); Benign (2); Likely benign (2). Last evaluated 2026-03-01.

Allele frequency attached by ClinVar (database versions not stated): gnomAD 0.00003 and 0.00027; TOPMed 0.00006; ESP Exome Variant Server 0.00008; gnomAD exomes 0.00038 and 0.00074; ExAC 0.00077; 1000 Genomes Project 30x 0.00203; 1000 Genomes Project 0.00260.
gnomAD v4.1: 610 of 1,614,120 alleles (0.038%); highest among the groups gnomAD compares: South Asian, 0.57%; 3 homozygotes.

Submissions (5):

CeGaT Center for Human Genetics Tuebingen
Classification: Likely benign. Last evaluated: 2026-03-01. Review status: criteria provided, single submitter. Criteria: CeGaT Center For Human Genetics Tuebingen Variant Classification Criteria Version 2. Collection method: clinical testing. Allele origin: germline. Affected: yes. Observed: 2 variant alleles.
Comment: RAI1: BS1

Labcorp Genetics (formerly Invitae), Labcorp
Classification: Benign. Last evaluated: 2026-02-03. Review status: criteria provided, single submitter. Criteria: Invitae Variant Classification Sherloc (09022015). Collection method: clinical testing. Allele origin: germline.

Blueprint Genetics
Classification: Likely benign. Last evaluated: 2024-10-25. Review status: criteria provided, single submitter. Criteria: ACMG Guidelines, 2015. Collection method: clinical testing. Allele origin: germline.

GeneDx
Classification: Benign. Last evaluated: 2019-12-04. Review status: criteria provided, single submitter. Criteria: GeneDx Variant Classification Process June 2021. Collection method: clinical testing. Allele origin: germline. Affected: yes.

Eurofins Ntd Llc (ga)
Classification: Uncertain significance. Last evaluated: 2014-06-22. Review status: criteria provided, single submitter. Criteria: EGL Classification Definitions 2015. Collection method: clinical testing. Allele origin: germline. Observed: 2 variant alleles, 2 heterozygotes.